The following is an entry in ClinVar:

NM_002180.3(IGHMBP2):c.1422C>A (p.Asp474Glu)

Gene: IGHMBP2 (immunoglobulin mu DNA binding protein 2; plus strand). Cytogenetic location: 11q13.3.
Variant type: single nucleotide variant.
Coding change: c.1422C>A on transcript NM_002180.3 (MANE Select); coding-DNA position 1422, C replaced by A.
Protein change: p.Asp474Glu; replaces aspartic acid 474 with glutamic acid.
Molecular consequence: missense variant.
Genome position (GRCh38, 1-based): chr11:68,933,798, C>A. VCF-style: chr11-68933798-C-A. GRCh37 (hg19) VCF-style: chr11-68701266-C-A.
Other names: short protein forms D474E.
Identifiers: ClinVar variation 305846 (VCV000305846.32), dbSNP rs61731907, ClinGen allele CA6153644.
Genomic context (GRCh38, chr11:68,933,798, plus strand): 5'-GGGCCTCAGTGCTGCACTGTGGCCCCCTGATGTGCTCCCTCTCTGCCTGTGTGCCAGGGA[C>A]CTCCCAGGTGTGGCTGCCACAGAAGAGACGGGTGTGCCCCTGCTCTTGGTGGACACCGCC-3'
Protein context (NP_002171.2, residues 464-484): HSSVARHLLR[Asp474Glu]LPGVAATEET

ClinVar aggregate classification (germline): Conflicting classifications of pathogenicity. Review status: criteria provided, conflicting classifications (1 of 4 stars). 8 submissions from 8 submitters: Uncertain significance (4); Likely benign (4). Last evaluated 2026-01-09.

Conditions:
Charcot-Marie-Tooth disease. Also called: Charcot-Marie-Tooth Hereditary Neuropathy; Charcot-Marie-Tooth Neuropathy. Identifiers: Orphanet 166, MedGen C0007959, MONDO:0015626.
Inborn genetic diseases. Identifiers: MedGen C0950123, MeSH D030342.
Charcot-Marie-Tooth disease axonal type 2S. Also called: CHARCOT-MARIE-TOOTH DISEASE, AXONAL, AUTOSOMAL RECESSIVE, TYPE 2S; CHARCOT-MARIE-TOOTH NEUROPATHY, TYPE 2S. Identifiers: Orphanet 443073, MedGen C4015349, MONDO:0014511, OMIM 616155.
Autosomal recessive distal spinal muscular atrophy 1. Also called: NEURONOPATHY, DISTAL HEREDITARY MOTOR, HARDING TYPE VI; NEUROPATHY, DISTAL HEREDITARY MOTOR, AUTOSOMAL RECESSIVE 1; Spinal muscular atrophy with respiratory distress 1; NEURONOPATHY, SEVERE INFANTILE AXONAL, WITH RESPIRATORY FAILURE; SEVERE INFANTILE AXONAL NEUROPATHY WITH RESPIRATORY FAILURE; SPINAL MUSCULAR ATROPHY, DIAPHRAGMATIC. Identifiers: Orphanet 98920, MedGen C1858517, MONDO:0011436, OMIM 604320.
IGHMBP2-related disorder. Also called: IGHMBP2-related disorders; IGHMBP2-related condition.

Allele frequency attached by ClinVar (database versions not stated): 1000 Genomes Project 30x 0.00016; 1000 Genomes Project 0.00020; ESP Exome Variant Server 0.00023; gnomAD 0.00034 and 0.00036; ExAC 0.00035; TOPMed 0.00043; gnomAD exomes 0.00046.
gnomAD v4.1: 359 of 1,611,576 alleles (0.022%); highest among the groups gnomAD compares: Admixed American, 0.057%; 2 homozygotes.

Submissions (8):

Labcorp Genetics (formerly Invitae), Labcorp
Classification: Likely benign for Autosomal recessive distal spinal muscular atrophy 1; Charcot-Marie-Tooth disease axonal type 2S. Last evaluated: 2026-01-09. Review status: criteria provided, single submitter. Criteria: Invitae Variant Classification Sherloc (09022015). Collection method: clinical testing. Allele origin: germline.

Mayo Clinic Laboratories, Mayo Clinic
Classification: Likely benign. Last evaluated: 2025-05-06. Review status: criteria provided, single submitter. Criteria: ACMG Guidelines, 2015. Collection method: clinical testing. Allele origin: germline. Observed: 3 variant alleles.
Comment: BA1

PreventionGenetics, part of Exact Sciences
Classification: Likely benign for IGHMBP2-related condition. Last evaluated: 2025-04-24. Review status: criteria provided, single submitter. Criteria: ACMG Guidelines, 2015. Collection method: clinical testing. Allele origin: germline.
Comment: This variant is classified as likely benign based on ACMG/AMP sequence variant interpretation guidelines (Richards et al. 2015 PMID: 25741868, with internal and published modifications).

GeneDx
Classification: Uncertain significance. Last evaluated: 2023-05-22. Review status: criteria provided, single submitter. Criteria: GeneDx Variant Classification Process June 2021. Collection method: clinical testing. Allele origin: germline. Affected: yes.
Comment: Reported previously in the heterozygous state in a patient with Charcot-Marie-Tooth disease; however, further clinical and segregation information were not provided (Volodarsky et al., 2021); In silico analysis supports that this missense variant does not alter protein structure/function; This variant is associated with the following publications: (PMID: 32376792, 22965130, 25439726, 24388491)

Ambry Genetics
Classification: Likely benign for Inborn genetic diseases. Last evaluated: 2021-07-27. Review status: criteria provided, single submitter. Criteria: Ambry Variant Classification Scheme 2023. Collection method: clinical testing. Allele origin: germline.

Revvity Omics, Revvity
Classification: Uncertain significance. Last evaluated: 2019-06-27. Review status: criteria provided, single submitter. Criteria: ACMG Guidelines, 2015. Collection method: clinical testing. Allele origin: germline.

Illumina Laboratory Services, Illumina
Classification: Uncertain significance for Autosomal recessive distal spinal muscular atrophy 1. Last evaluated: 2018-01-12. Review status: criteria provided, single submitter. Criteria: ICSL Variant Classification Criteria 13 December 2019. Collection method: clinical testing. Allele origin: germline.

Molecular Genetics Laboratory, London Health Sciences Centre
Classification: Uncertain significance for Charcot-Marie-Tooth disease. Review status: criteria provided, single submitter. Criteria: ACMG Guidelines, 2015. Collection method: clinical testing. Allele origin: germline. Affected: yes.

Literature cited by the submitters: PubMed 32376792 (cited by Mayo Clinic Laboratories, Mayo Clinic).